The following is an entry in ClinVar:

NM_000171.4(GLRA1):c.559+8T>G

Gene: GLRA1 (glycine receptor alpha 1; minus strand). Cytogenetic location: 5q33.1.
Variant type: single nucleotide variant.
Coding change: c.559+8T>G on transcript NM_000171.4 (MANE Select); 8 bases into the intron after coding-DNA position 559, T replaced by G.
Molecular consequence: intron variant.
Genome position (GRCh38, 1-based): chr5:151,856,293, A>C on the plus strand (T>G on the coding strand, the complement: GLRA1 is on the minus strand). VCF-style: chr5-151856293-A-C. GRCh37 (hg19) VCF-style: chr5-151235854-A-C.
Other names: p.?; c.310+8T>G (NM_001292000.2); c.559+8T>G (NM_001146040.2).
Identifiers: ClinVar variation 352315 (VCV000352315.21), dbSNP rs73285947, ClinGen allele CA3523663.
Genomic context (GRCh38, chr5:151,856,293, plus strand): 5'-AATTTCTGCCTATCCCATGGGTAAAAAGGAGCCTGGTTCTTTCTAGAGGACTCATGCAAG[A>C]CACTCACAGCTTTCCAGTTGCATGATACATGTCTGGACATCCATGGGGAAATTCTTCAAG-3'

ClinVar aggregate classification (germline): Benign. Review status: criteria provided, multiple submitters, no conflicts (2 of 4 stars). 5 submissions from 5 submitters: Benign (4). 1 of the submissions does not count toward it. Last evaluated 2026-02-03.

Conditions:
Hereditary hyperekplexia. Identifiers: Orphanet 3197, MedGen C4084968, MONDO:0021022.
Hyperekplexia 1 (STHE). Also called: HYPEREKPLEXIA 1, AUTOSOMAL DOMINANT; HYPEREKPLEXIA 1, AUTOSOMAL RECESSIVE; EXAGGERATED STARTLE REACTION; KOK DISEASE; STARTLE DISEASE, FAMILIAL; STIFF-BABY SYNDROME. Identifiers: Orphanet 3197, MedGen C4551954, MONDO:0007868, OMIM 149400.
GLRA1-related disorder. Also called: GLRA1-related condition.

Allele frequency attached by ClinVar (database versions not stated): gnomAD exomes 0.00422; ExAC 0.00515; gnomAD 0.01739 and 0.01871; ESP Exome Variant Server 0.01876; 1000 Genomes Project 0.01877; TOPMed 0.01976; 1000 Genomes Project 30x 0.02186.
gnomAD v4.1: 5,104 of 1,593,668 alleles (0.32%); highest among the groups gnomAD compares: African/African-American, 6%; 165 homozygotes.

Submissions (5):

Labcorp Genetics (formerly Invitae), Labcorp
Classification: Benign for Hereditary hyperekplexia. Last evaluated: 2026-02-03. Review status: criteria provided, single submitter. Criteria: Invitae Variant Classification Sherloc (09022015). Collection method: clinical testing. Allele origin: germline.

Mayo Clinic Laboratories, Mayo Clinic
Classification: Benign. Last evaluated: 2022-07-01. Review status: criteria provided, single submitter. Criteria: ACMG Guidelines, 2015. Collection method: clinical testing. Allele origin: germline. Observed: 2 variant alleles.

GeneDx
Classification: Benign. Last evaluated: 2018-08-30. Review status: criteria provided, single submitter. Criteria: GeneDx Variant Classification Process June 2021. Collection method: clinical testing. Allele origin: germline. Affected: yes.

Illumina Laboratory Services, Illumina
Classification: Benign for Hyperekplexia 1. Last evaluated: 2018-01-12. Review status: criteria provided, single submitter. Criteria: ICSL Variant Classification Criteria 13 December 2019. Collection method: clinical testing. Allele origin: germline.
Comment: This variant was observed in the ICSL laboratory as part of a predisposition screen in an ostensibly healthy population. It had not been previously curated by ICSL or reported in the Human Gene Mutation Database (HGMD: prior to June 1st, 2018), and was therefore a candidate for classification through an automated scoring system. Utilizing variant allele frequency, disease prevalence and penetrance estimates, and inheritance mode, an automated score was calculated to assess if this variant is too frequent to cause the disease. Based on the score and internal cut-off values, a variant classified as benign is not then subjected to further curation. The score for this variant resulted in a classification of benign for this disease.

PreventionGenetics, part of Exact Sciences
Classification: Benign for GLRA1-related condition. Last evaluated: 2019-04-10. Review status: no assertion criteria provided. Collection method: clinical testing. Allele origin: germline. Not counted in ClinVar's aggregate classification.
Comment: This variant is classified as benign based on ACMG/AMP sequence variant interpretation guidelines (Richards et al. 2015 PMID: 25741868, with internal and published modifications).